The following is an entry in ClinVar:

NM_024642.5(GALNT12):c.1562G>A (p.Cys521Tyr)

Gene: GALNT12 (polypeptide N-acetylgalactosaminyltransferase 12; plus strand). Cytogenetic location: 9q22.33.
Variant type: single nucleotide variant.
Coding change: c.1562G>A on transcript NM_024642.5 (MANE Select); coding-DNA position 1562, G replaced by A.
Protein change: p.Cys521Tyr; replaces cysteine 521 with tyrosine.
Molecular consequence: missense variant.
Genome position (GRCh38, 1-based): chr9:98,846,080, G>A. VCF-style: chr9-98846080-G-A. GRCh37 (hg19) VCF-style: chr9-101608362-G-A.
Other names: short protein forms C521Y.
Identifiers: ClinVar variation 2630454 (VCV002630454.1), dbSNP rs2490557840, ClinGen allele CA374221814.
Genomic context (GRCh38, chr9:98,846,080, plus strand): 5'-ACCAGCCTGAGGGCTGCATTGCTGTGGAAGCAGGAATGGATACCCTTATCATGCATCTCT[G>A]CGAAGAAACTGCCCCAGAGAATCAGAAGTTCATCTTGCAGGAGGTAGGTGAACTCTCTCC-3'
Protein context (NP_078918.3, residues 511-531): AGMDTLIMHL[Cys521Tyr]EETAPENQKF

ClinVar aggregate classification (germline): Uncertain significance (1 of 4 stars; one submission).

Conditions:
GALNT12-related disorder. Also called: GALNT12-related condition.

Submission:

PreventionGenetics, part of Exact Sciences
Classification: Uncertain significance for GALNT12-related condition. Last evaluated: 2023-02-14. Review status: criteria provided, single submitter. Criteria: ACMG Guidelines, 2015. Collection method: clinical testing. Allele origin: germline.
Comment: The GALNT12 c.1562G>A variant is predicted to result in the amino acid substitution p.Cys521Tyr. To our knowledge, this variant has not been reported in the literature or in a large population database, indicating this variant is rare. At this time, the clinical significance of this variant is uncertain due to the absence of conclusive functional and genetic evidence.